The following is an entry in ClinVar:

ClinVar aggregate classification (germline): Conflicting classifications of pathogenicity. Review status: criteria provided, conflicting classifications (1 of 4 stars). 2 submissions from 2 submitters: Uncertain significance (1); Likely benign (1). Last evaluated 2021-07-13.

Conditions:
Pierson syndrome. Also called: MICROCORIA-CONGENITAL NEPHROTIC SYNDROME. Identifiers: Orphanet 2670, MedGen C1836876, MONDO:0012184, OMIM 609049.
LAMB2-related infantile-onset nephrotic syndrome. Also called: Nephrotic Syndrome, type 5; NEPHROTIC SYNDROME, TYPE 5, WITHOUT OCULAR ABNORMALITIES; NEPHROTIC SYNDROME, TYPE 5, WITH OCULAR ABNORMALITIES. Identifiers: Orphanet 306507, MedGen C3280113, MONDO:0013621, OMIM 614199.
Inborn genetic diseases. Identifiers: MedGen C0950123, MeSH D030342.

Allele frequency attached by ClinVar (database versions not stated): TOPMed below 0.00001; ExAC 0.00001; gnomAD exomes 0.00001.
gnomAD v4.1: 13 of 1,613,368 alleles (0.00081%); highest among the groups gnomAD compares: South Asian, 0.011%; no homozygotes.

Submissions (2):

Ambry Genetics
Classification: Likely benign for Inborn genetic diseases. Last evaluated: 2021-07-13. Review status: criteria provided, single submitter. Criteria: Ambry Variant Classification Scheme 2023. Collection method: clinical testing. Allele origin: germline.

Labcorp Genetics (formerly Invitae), Labcorp
Classification: Uncertain significance for LAMB2-related infantile-onset nephrotic syndrome; Pierson syndrome. Last evaluated: 2018-05-30. Review status: criteria provided, single submitter. Criteria: Invitae Variant Classification Sherloc (09022015). Collection method: clinical testing. Allele origin: germline.
Comment: This sequence change replaces arginine with tryptophan at codon 1214 of the LAMB2 protein (p.Arg1214Trp). The arginine residue is highly conserved and there is a moderate physicochemical difference between arginine and tryptophan. In summary, the available evidence is currently insufficient to determine the role of this variant in disease. Therefore, it has been classified as a Variant of Uncertain Significance. Algorithms developed to predict the effect of missense changes on protein structure and function output the following: SIFT: "Tolerated"; PolyPhen-2: "Benign"; Align-GVGD: "Class C0". The tryptophan amino acid residue is found in multiple mammalian species, suggesting that this missense change does not adversely affect protein function. These predictions have not been confirmed by published functional studies and their clinical significance is uncertain. This variant has not been reported in the literature in individuals with LAMB2-related disease. This variant is present in population databases (rs760524944, ExAC 0.009%).

NM_002292.4(LAMB2):c.3640C>T (p.Arg1214Trp)

Gene: LAMB2 (laminin subunit beta 2; minus strand). Cytogenetic location: 3p21.31.
Variant type: single nucleotide variant.
Coding change: c.3640C>T on transcript NM_002292.4 (MANE Select); coding-DNA position 3640, C replaced by T.
Protein change: p.Arg1214Trp; replaces arginine 1214 with tryptophan.
Molecular consequence: missense variant.
Genome position (GRCh38, 1-based): chr3:49,123,885, G>A on the plus strand (C>T on the coding strand, the complement: LAMB2 is on the minus strand). VCF-style: chr3-49123885-G-A. GRCh37 (hg19) VCF-style: chr3-49161318-G-A.
Other names: short protein forms R1214W.
Identifiers: ClinVar variation 577761 (VCV000577761.7), dbSNP rs760524944, ClinGen allele CA2393997.